The following is an entry in ClinVar:

ClinVar aggregate classification (germline): Uncertain significance (1 of 4 stars; one submission).

Conditions:
Cardiovascular phenotype. Identifiers: MedGen CN230736.
Hereditary cancer-predisposing syndrome. Also called: Neoplastic Syndromes, Hereditary; Tumor predisposition; Hereditary Cancer Syndrome; Hereditary neoplastic syndrome. Identifiers: Orphanet 140162, MedGen C0027672, MeSH D009386, MONDO:0015356.

Submission:

Ambry Genetics
Classification: Uncertain significance for Cardiovascular phenotype; Hereditary cancer-predisposing syndrome. Last evaluated: 2018-08-23. Review status: criteria provided, single submitter. Criteria: Ambry Variant Classification Scheme 2023. Collection method: clinical testing. Allele origin: germline.
Comment: The p.S2311A variant (also known as c.6931T>G), located in coding exon 46 of the NF1 gene, results from a T to G substitution at nucleotide position 6931. The serine at codon 2311 is replaced by alanine, an amino acid with similar properties. This amino acid position is highly conserved in available vertebrate species. In addition, this alteration is predicted to be tolerated by in silico analysis. Since supporting evidence is limited at this time, the clinical significance of this alteration remains unclear.

NM_001042492.3(NF1):c.6994T>G (p.Ser2332Ala)

Gene: NF1 (neurofibromin 1; plus strand). Cytogenetic location: 17q11.2.
Variant type: single nucleotide variant.
Coding change: c.6994T>G on transcript NM_001042492.3 (MANE Select); coding-DNA position 6994, T replaced by G.
Protein change: p.Ser2332Ala; replaces serine 2332 with alanine.
Molecular consequence: missense variant.
Genome position (GRCh38, 1-based): chr17:31,340,577, T>G. VCF-style: chr17-31340577-T-G. GRCh37 (hg19) VCF-style: chr17-29667595-T-G.
Other names: c.6931T>G, p.Ser2311Ala (NM_000267.4); short protein forms S2332A, S2311A.
Identifiers: ClinVar variation 1756216 (VCV001756216.2), dbSNP rs2508770358, ClinGen allele CA399014998.